The following is an entry in ClinVar:

ClinVar aggregate classification (germline): Uncertain significance (1 of 4 stars; one submission).

Conditions:
Immunodeficiency 67. Also called: Immunodeficiency due to interleukin-1 receptor-associated kinase-4 deficiency. Identifiers: Orphanet 70592, MedGen C1843256, MONDO:0011888, OMIM 607676.

Allele frequency attached by ClinVar (database versions not stated): gnomAD exomes below 0.00001.
gnomAD v4.1: 1 of 1,612,840 alleles (0.000062%); highest among the groups gnomAD compares: Non-Finnish European, 0.000085%; no homozygotes.

Submission:

Labcorp Genetics (formerly Invitae), Labcorp
Classification: Uncertain significance for Immunodeficiency 67. Last evaluated: 2022-08-16. Review status: criteria provided, single submitter. Criteria: Invitae Variant Classification Sherloc (09022015). Collection method: clinical testing. Allele origin: germline.
Comment: ClinVar contains an entry for this variant (Variation ID: 1397448). In summary, the available evidence is currently insufficient to determine the role of this variant in disease. Therefore, it has been classified as a Variant of Uncertain Significance. Advanced modeling of protein sequence and biophysical properties (such as structural, functional, and spatial information, amino acid conservation, physicochemical variation, residue mobility, and thermodynamic stability) performed at Invitae indicates that this missense variant is expected to disrupt IRAK4 protein function. This variant has not been reported in the literature in individuals affected with IRAK4-related conditions. This variant is not present in population databases (gnomAD no frequency). This sequence change replaces serine, which is neutral and polar, with asparagine, which is neutral and polar, at codon 372 of the IRAK4 protein (p.Ser372Asn).

NM_016123.4(IRAK4):c.1115G>A (p.Ser372Asn)

Gene: IRAK4 (interleukin 1 receptor associated kinase 4; plus strand). Cytogenetic location: 12q12.
Variant type: single nucleotide variant.
Coding change: c.1115G>A on transcript NM_016123.4 (MANE Select); coding-DNA position 1115, G replaced by A.
Protein change: p.Ser372Asn; replaces serine 372 with asparagine.
Molecular consequence: missense variant.
Genome position (GRCh38, 1-based): chr12:43,782,480, G>A. VCF-style: chr12-43782480-G-A. GRCh37 (hg19) VCF-style: chr12-44176283-G-A.
Other names: c.1115G>A, p.Ser372Asn (NM_001114182.3, NM_001351345.2); c.743G>A, p.Ser248Asn (NM_001145256.2, NM_001145257.2, NM_001145258.2 and 5 more transcripts); c.506G>A, p.Ser169Asn (NM_001351343.2, NM_001351344.2); short protein forms S248N, S372N, S169N.
Identifiers: ClinVar variation 1397448 (VCV001397448.8), dbSNP rs2138047917, ClinGen allele CA384477248.